The following is an entry in ClinVar:

NM_005909.5(MAP1B):c.4321del (p.Gln1441fs)

Gene: MAP1B (microtubule associated protein 1B; plus strand). Cytogenetic location: 5q13.2.
Variant type: Deletion.
Coding change: c.4321del on transcript NM_005909.5 (MANE Select); coding-DNA position 4321, one base deleted (C; older notation c.4321delC).
Protein change: p.Gln1441fs; shifts the reading frame from glutamine 1441.
Molecular consequence: frameshift variant.
Genome position (GRCh38, 1-based): chr5:72,197,676, C deleted; the last of 2 consecutive C bases (chr5:72,197,675-72,197,676); deleting either gives the same sequence. VCF-style (leftmost placement, unchanged base first): chr5-72197674-AC-A. GRCh37 (hg19) VCF-style: chr5-71493501-AC-A.
Other names: c.3943del, p.Gln1315fs (NM_001324255.2); short protein forms Q1315fs, Q1441fs.
Identifiers: ClinVar variation 3365311 (VCV003365311.2).

ClinVar aggregate classification (germline): Pathogenic (1 of 4 stars; one submission).

Submission:

GeneDx
Classification: Pathogenic. Last evaluated: 2025-09-03. Review status: criteria provided, single submitter. Criteria: GeneDx Variant Classification Process June 2021. Collection method: clinical testing. Allele origin: germline.
Comment: Frameshift variant predicted to result in protein truncation or nonsense mediated decay in a gene for which loss-of-function is a known mechanism of disease; Not observed at significant frequency in large population cohorts (gnomAD); Has not been previously published as pathogenic or benign to our knowledge